The following is an entry in ClinVar:

NM_016239.4(MYO15A):c.10202G>T (p.Arg3401Leu)

Gene: MYO15A (myosin XVA; plus strand). Cytogenetic location: 17p11.2.
Variant type: single nucleotide variant.
Coding change: c.10202G>T on transcript NM_016239.4 (MANE Select); coding-DNA position 10202, G replaced by T.
Protein change: p.Arg3401Leu; replaces arginine 3401 with leucine.
Molecular consequence: missense variant.
Genome position (GRCh38, 1-based): chr17:18,171,757, G>T. VCF-style: chr17-18171757-G-T. GRCh37 (hg19) VCF-style: chr17-18075071-G-T.
Other names: short protein forms R3401L.
Identifiers: ClinVar variation 3601299 (VCV003601299.1).
Genomic context (GRCh38, chr17:18,171,757, plus strand): 5'-GGCTCAACCTGGTCAGCCAGCACCGGCAGCAGACACAGGCGCTCAGCCCCCACCAGGCCC[G>T]TGCCCAGTTTCTGGGTAAGAGCTGCAGGGCAGGGGAGGTGATCATAGGGGGCTTTGCTGA-3'
Protein context (NP_057323.3, residues 3391-3411): QTQALSPHQA[Arg3401Leu]AQFLGLLSAL

ClinVar aggregate classification (germline): Likely pathogenic (1 of 4 stars; one submission).

Conditions:
Autosomal recessive nonsyndromic hearing loss 3. Also called: NEUROSENSORY NONSYNDROMIC RECESSIVE DEAFNESS 3. Identifiers: Orphanet 90636, MedGen C1838263, MONDO:0010860, OMIM 600316.

Submission:

Institute of Rare Diseases, West China Hospital, Sichuan University
Classification: Likely pathogenic for Autosomal recessive nonsyndromic hearing loss 3. Last evaluated: 2025-01-09. Review status: criteria provided, single submitter. Criteria: ClinGen HL ACMG Specifications v1. Collection method: research. Allele origin: germline. Affected: yes.
Comment: PM3;PM5;PM2_Supporting;PP3